The following is an entry in ClinVar:

NM_181672.3(OGT):c.66A>G (p.Gln22=)

Gene: OGT (O-linked N-acetylglucosamine (GlcNAc) transferase; plus strand). Cytogenetic location: Xq13.1.
Variant type: single nucleotide variant.
Coding change: c.66A>G on transcript NM_181672.3 (MANE Select); coding-DNA position 66, A replaced by G.
Protein change: p.Gln22=; no amino-acid change (glutamine 22 retained).
Molecular consequence: synonymous variant. On other transcripts: splice acceptor variant (1).
Genome position (GRCh38, 1-based): chrX:71,536,206, A>G. VCF-style: chrX-71536206-A-G. GRCh37 (hg19) VCF-style: chrX-70756056-A-G.
Other names: c.38-2A>G (NM_181673.3).
Identifiers: ClinVar variation 2444819 (VCV002444819.1), dbSNP rs2522815912, ClinGen allele CA413534255.

ClinVar aggregate classification (germline): Uncertain significance (1 of 4 stars; one submission).

Submission:

GeneDx
Classification: Uncertain significance. Last evaluated: 2022-09-19. Review status: criteria provided, single submitter. Criteria: GeneDx Variant Classification Process June 2021. Collection method: clinical testing. Allele origin: germline. Affected: yes.
Comment: Not observed at significant frequency in large population cohorts (gnomAD); In silico analysis supports a deleterious effect on splicing; Has not been previously published as pathogenic or benign to our knowledge